The following is an entry in ClinVar:

NC_000002.11:g.(?_152518793)_(152528469_?)del

Gene: NEB (nebulin; minus strand). Cytogenetic location: 2q23.3.
Variant type: Deletion.
Identifiers: ClinVar variation 3247268 (VCV003247268.1).

ClinVar aggregate classification (germline): Likely pathogenic (1 of 4 stars; one submission).

Conditions:
Nemaline myopathy 2 (NEM2). Also called: Nemaline myopathy 2, autosomal recessive. Identifiers: MedGen C1850569, MONDO:0009725, OMIM 256030.

Submission:

Labcorp Genetics (formerly Invitae), Labcorp
Classification: Likely pathogenic for Nemaline myopathy 2. Last evaluated: 2023-04-06. Review status: criteria provided, single submitter. Criteria: Invitae Variant Classification Sherloc (09022015). Collection method: clinical testing. Allele origin: unknown.
Comment: In summary, the currently available evidence indicates that the variant is pathogenic, but additional data are needed to prove that conclusively. Therefore, this variant has been classified as Likely Pathogenic. This variant has not been reported in the literature in individuals affected with NEB-related conditions. This variant results in the deletion of exons 38-45 and part of exon 46 (c.4299+414_5826del) of the NEB gene. It is expected to disrupt RNA splicing. Variants that disrupt the donor or acceptor splice site typically lead to a loss of protein function (PMID: 16199547), and loss-of-function variants in NEB are known to be pathogenic (PMID: 25205138).

Literature cited by the submitters: PubMed 16199547; PubMed 25205138.